The following is an entry in ClinVar:

ClinVar aggregate classification (germline): Uncertain significance (1 of 4 stars; one submission).

Conditions:
Arrhythmogenic cardiomyopathy with wooly hair and keratoderma. Also called: Arrhythmogenic cardiomyopathy with woolly hair and keratoderma; PALMOPLANTAR KERATODERMA WITH LEFT VENTRICULAR CARDIOMYOPATHY AND WOOLLY HAIR; Carvajal syndrome; Dilated cardiomyopathy with woolly hair and keratoderma. Identifiers: Orphanet 65282, MedGen C1854063, MONDO:0011581, OMIM 605676.
Arrhythmogenic right ventricular dysplasia 8 (ARVD8). Also called: Arrhythmogenic Right Ventricular Dysplasia/Cardiomyopathy 8; ARRHYTHMOGENIC RIGHT VENTRICULAR DYSPLASIA, FAMILIAL, 8; ARRHYTHMOGENIC RIGHT VENTRICULAR CARDIOMYOPATHY 8. Identifiers: MedGen C1843896, MONDO:0011831, OMIM 607450.

Submission:

Labcorp Genetics (formerly Invitae), Labcorp
Classification: Uncertain significance for Arrhythmogenic cardiomyopathy with wooly hair and keratoderma; Arrhythmogenic right ventricular dysplasia 8. Last evaluated: 2024-08-04. Review status: criteria provided, single submitter. Criteria: Invitae Variant Classification Sherloc (09022015). Collection method: clinical testing. Allele origin: germline.
Comment: This sequence change replaces arginine, which is basic and polar, with glutamine, which is neutral and polar, at codon 2334 of the DSP protein (p.Arg2334Gln). This variant is not present in population databases (gnomAD no frequency). This variant has not been reported in the literature in individuals affected with DSP-related conditions. An algorithm developed to predict the effect of missense changes on protein structure and function (PolyPhen-2) suggests that this variant is likely to be tolerated. In summary, the available evidence is currently insufficient to determine the role of this variant in disease. Therefore, it has been classified as a Variant of Uncertain Significance.

NM_004415.4(DSP):c.7001G>A (p.Arg2334Gln)

Gene: DSP (desmoplakin; plus strand). Cytogenetic location: 6p24.3.
Variant type: single nucleotide variant.
Coding change: c.7001G>A on transcript NM_004415.4 (MANE Select); coding-DNA position 7001, G replaced by A.
Protein change: p.Arg2334Gln; replaces arginine 2334 with glutamine.
Molecular consequence: missense variant.
Genome position (GRCh38, 1-based): chr6:7,584,263, G>A. VCF-style: chr6-7584263-G-A. GRCh37 (hg19) VCF-style: chr6-7584496-G-A.
Other names: c.5204G>A, p.Arg1735Gln (NM_001008844.3); c.5672G>A, p.Arg1891Gln (NM_001319034.2); short protein forms R1735Q, R1891Q, R2334Q.
Identifiers: ClinVar variation 3761122 (VCV003761122.2).